The following is an entry in ClinVar:

ClinVar aggregate classification (germline): Uncertain significance. Review status: criteria provided, multiple submitters, no conflicts (2 of 4 stars). 3 submissions from 3 submitters: Uncertain significance (3). Last evaluated 2024-01-16.

Conditions:
Inborn genetic diseases. Identifiers: MedGen C0950123, MeSH D030342.

Allele frequency attached by ClinVar (database versions not stated): ExAC 0.00004; gnomAD exomes 0.00004; ESP Exome Variant Server 0.00031.
gnomAD v4.1: 53 of 1,607,546 alleles (0.0033%); highest among the groups gnomAD compares: African/African-American, 0.064%; no homozygotes.

Submissions (3):

Ambry Genetics
Classification: Uncertain significance for Inborn genetic diseases. Last evaluated: 2024-01-16. Review status: criteria provided, single submitter. Criteria: Ambry Variant Classification Scheme 2023. Collection method: clinical testing. Allele origin: germline.

GeneDx
Classification: Uncertain significance. Last evaluated: 2023-03-07. Review status: criteria provided, single submitter. Criteria: GeneDx Variant Classification Process June 2021. Collection method: clinical testing. Allele origin: germline. Affected: yes.
Comment: In silico analysis supports that this missense variant has a deleterious effect on protein structure/function; Has not been previously published as pathogenic or benign to our knowledge

Labcorp Genetics (formerly Invitae), Labcorp
Classification: Uncertain significance. Last evaluated: 2022-08-31. Review status: criteria provided, single submitter. Criteria: Invitae Variant Classification Sherloc (09022015). Collection method: clinical testing. Allele origin: germline.
Comment: In summary, the available evidence is currently insufficient to determine the role of this variant in disease. Therefore, it has been classified as a Variant of Uncertain Significance. Algorithms developed to predict the effect of missense changes on protein structure and function (SIFT, PolyPhen-2, Align-GVGD) all suggest that this variant is likely to be disruptive. ClinVar contains an entry for this variant (Variation ID: 1394098). This variant has not been reported in the literature in individuals affected with TMEM126B-related conditions. This variant is present in population databases (rs145769491, gnomAD 0.05%). This sequence change replaces proline, which is neutral and non-polar, with threonine, which is neutral and polar, at codon 156 of the TMEM126B protein (p.Pro156Thr).

NM_018480.7(TMEM126B):c.466C>A (p.Pro156Thr)

Gene: TMEM126B (transmembrane protein 126B; plus strand). Cytogenetic location: 11q14.1.
Variant type: single nucleotide variant.
Coding change: c.466C>A on transcript NM_018480.7 (MANE Select); coding-DNA position 466, C replaced by A.
Protein change: p.Pro156Thr; replaces proline 156 with threonine.
Molecular consequence: missense variant. On other transcripts: non-coding transcript variant (2).
Genome position (GRCh38, 1-based): chr11:85,635,735, C>A. VCF-style: chr11-85635735-C-A. GRCh37 (hg19) VCF-style: chr11-85346779-C-A.
Other names: c.406C>A, p.Pro136Thr (NM_001193537.3); c.376C>A, p.Pro126Thr (NM_001193538.3, NM_001256546.2); c.328C>A, p.Pro110Thr (NM_001256547.2); c.241C>A, p.Pro81Thr (NM_001350393.1); c.466C>A (NM_018480.3, NM_018480.4); short protein forms P126T, P136T, P81T, P110T, P156T.
Identifiers: ClinVar variation 1394098 (VCV001394098.8), dbSNP rs145769491, ClinGen allele CA6212520.